The following is an entry in ClinVar:

ClinVar aggregate classification (germline): Uncertain significance. Review status: criteria provided, multiple submitters, no conflicts (2 of 4 stars). 4 submissions from 4 submitters: Uncertain significance (4). Last evaluated 2025-11-21.

Conditions:
Cardiomyopathy (CMYO). Also called: Cardiomyopathies. Identifiers: Orphanet 167848, MedGen C0878544, MONDO:0004994, HP:0001638. Inheritance: Various modes of inheritance.
Hypertrophic cardiomyopathy. Also called: HYPERTROPHIC MYOCARDIOPATHY. Identifiers: Orphanet 217569, MedGen C0007194, MeSH D002312, MONDO:0005045, HP:0001639.

Allele frequency attached by ClinVar (database versions not stated): gnomAD exomes below 0.00001; TOPMed below 0.00001; gnomAD 0.00001.
gnomAD v4.1: 2 of 1,614,062 alleles (0.00012%); highest among the groups gnomAD compares: Non-Finnish European, 0.00017%; no homozygotes.

Submissions (4):

Color Diagnostics, LLC DBA Color Health
Classification: Uncertain significance for Cardiomyopathy. Last evaluated: 2025-11-21. Review status: criteria provided, single submitter. Criteria: ACMG Guidelines, 2015. Collection method: clinical testing. Allele origin: germline.
Comment: This missense variant replaces asparagine with aspartic acid at codon 562 of the MYH7 protein. Computational prediction is inconclusive regarding the impact of this variant on protein structure and function. To our knowledge, functional studies have not been reported for this variant. This variant has not been reported in individuals affected with MYH7-related disorders in the literature. This variant has been identified in 2/1614062 chromosomes in the general population by the Genome Aggregation Database (gnomAD). The available evidence is insufficient to determine the role of this variant in disease conclusively. Therefore, this variant is classified as a Variant of Uncertain Significance.

Labcorp Genetics (formerly Invitae), Labcorp
Classification: Uncertain significance for Hypertrophic cardiomyopathy. Last evaluated: 2025-11-11. Review status: criteria provided, single submitter. Criteria: Invitae Variant Classification Sherloc (09022015). Collection method: clinical testing. Allele origin: germline.
Comment: This sequence change replaces asparagine, which is neutral and polar, with aspartic acid, which is acidic and polar, at codon 562 of the MYH7 protein (p.Asn562Asp). This variant is not present in population databases (gnomAD no frequency). This variant has not been reported in the literature in individuals affected with MYH7-related conditions. ClinVar contains an entry for this variant (Variation ID: 42857). Invitae Evidence Modeling of protein sequence and biophysical properties (such as structural, functional, and spatial information, amino acid conservation, physicochemical variation, residue mobility, and thermodynamic stability) indicates that this missense variant is expected to disrupt MYH7 protein function with a positive predictive value of 95%. In summary, the available evidence is currently insufficient to determine the role of this variant in disease. Therefore, it has been classified as a Variant of Uncertain Significance.

All of Us Research Program, National Institutes of Health
Classification: Uncertain significance for Cardiomyopathy. Last evaluated: 2023-11-02. Review status: criteria provided, single submitter. Criteria: ACMG Guidelines, 2015. Collection method: clinical testing. Allele origin: germline. Inheritance: Autosomal dominant inheritance. Observed: 1 variant allele, 1 heterozygote.
Comment: This missense variant replaces asparagine with aspartic acid at codon 562 of the MYH7 protein. Computational prediction is inconclusive regarding the impact of this variant on protein structure and function (internally defined REVEL score threshold 0.5 < inconclusive < 0.7, PMID: 27666373). To our knowledge, functional studies have not been reported for this variant. This variant has not been reported in individuals affected with MYH7-related disorders in the literature. This variant has not been identified in the general population by the Genome Aggregation Database (gnomAD). The available evidence is insufficient to determine the role of this variant in disease conclusively. Therefore, this variant is classified as a Variant of Uncertain Significance.

This study involves interpretation of variants in research participants for the purpose of population health screening. Participant phenotype was not available at the time of variant classification. Additional details can be found in publication PMID: 35346344, PMCID: PMC8962531

Laboratory for Molecular Medicine, Mass General Brigham Personalized Medicine
Classification: Uncertain significance. Last evaluated: 2013-01-23. Review status: criteria provided, single submitter. Criteria: LMM Criteria. Collection method: clinical testing. Allele origin: germline. Observed: 1 variant allele.
Comment: The Asn562Asp variant in MYH7 has not been reported in the literature nor previo usly identified by our laboratory. This variant has also not been identified in large and broad European American and African American populations by the NHLBI Exome Sequencing Project, which increases the likelihood that the variant is pathogenic. However, we cannot exclude that it m ay be common in other populations. Computational analyses (biochemical amino aci d properties, conservation, AlignGVGD, PolyPhen2, and SIFT) do not provide stron g support for or against an impact to the protein. Additional information is nee ded to fully assess the clinical significance of this variant.

NM_000257.4(MYH7):c.1684A>G (p.Asn562Asp)

Gene: MYH7 (myosin heavy chain 7; minus strand). Cytogenetic location: 14q11.2.
Variant type: single nucleotide variant.
Coding change: c.1684A>G on transcript NM_000257.4 (MANE Select); coding-DNA position 1684, A replaced by G.
Protein change: p.Asn562Asp; replaces asparagine 562 with aspartic acid.
Molecular consequence: missense variant.
Genome position (GRCh38, 1-based): chr14:23,427,789, T>C on the plus strand (A>G on the coding strand, the complement: MYH7 is on the minus strand). VCF-style: chr14-23427789-T-C. GRCh37 (hg19) VCF-style: chr14-23896998-T-C.
Other names: short protein forms N562D.
Identifiers: ClinVar variation 42857 (VCV000042857.14), dbSNP rs397516118, ClinGen allele CA011139.